The following is an entry in ClinVar:

NM_001367549.1(ATP13A3):c.29A>T (p.Asn10Ile)

Gene: ATP13A3 (ATPase 13A3; minus strand). Cytogenetic location: 3q29.
Variant type: single nucleotide variant.
Coding change: c.29A>T on transcript NM_001367549.1 (MANE Select); coding-DNA position 29, A replaced by T.
Protein change: p.Asn10Ile; replaces asparagine 10 with isoleucine.
Molecular consequence: missense variant. On other transcripts: non-coding transcript variant (2).
Genome position (GRCh38, 1-based): chr3:194,462,162, T>A on the plus strand (A>T on the coding strand, the complement: ATP13A3 is on the minus strand). VCF-style: chr3-194462162-T-A. GRCh37 (hg19) VCF-style: chr3-194182891-T-A.
Other names: c.29A>T, p.Asn10Ile (NM_001374836.1, NM_001437993.1, NM_024524.4); short protein forms N10I.
Identifiers: ClinVar variation 4738873 (VCV004738873.1).

ClinVar aggregate classification (germline): Uncertain significance (1 of 4 stars; one submission).

gnomAD v4.1: 44 of 1,614,070 alleles (0.0027%); highest among the groups gnomAD compares: Non-Finnish European, 0.0036%; no homozygotes.

Submission:

Labcorp Genetics (formerly Invitae), Labcorp
Classification: Uncertain significance. Last evaluated: 2025-02-10. Review status: criteria provided, single submitter. Criteria: Invitae Variant Classification Sherloc (09022015). Collection method: clinical testing. Allele origin: germline.
Comment: This sequence change replaces asparagine, which is neutral and polar, with isoleucine, which is neutral and non-polar, at codon 10 of the ATP13A3 protein (p.Asn10Ile). This variant is present in population databases (rs773820460, gnomAD 0.004%). This variant has not been reported in the literature in individuals affected with ATP13A3-related conditions. An algorithm developed to predict the effect of missense changes on protein structure and function (PolyPhen-2) suggests that this variant is likely to be disruptive. In summary, the available evidence is currently insufficient to determine the role of this variant in disease. Therefore, it has been classified as a Variant of Uncertain Significance.